The following is an entry in ClinVar:

ClinVar aggregate classification (germline): Uncertain significance (1 of 4 stars; one submission).

Conditions:
Cardiovascular phenotype. Identifiers: MedGen CN230736.

gnomAD v4.1: 16 of 1,613,636 alleles (0.00099%); highest among the groups gnomAD compares: South Asian, 0.015%; 1 homozygote.

Submission:

Ambry Genetics
Classification: Uncertain significance for Cardiovascular phenotype. Last evaluated: 2023-09-23. Review status: criteria provided, single submitter. Criteria: Ambry Variant Classification Scheme 2023. Collection method: clinical testing. Allele origin: germline.
Comment: The p.V62I variant (also known as c.184G>A), located in coding exon 3 of the ABCG8 gene, results from a G to A substitution at nucleotide position 184. The valine at codon 62 is replaced by isoleucine, an amino acid with highly similar properties. This amino acid position is conserved. In addition, this alteration is predicted to be tolerated by in silico analysis. Since supporting evidence is limited at this time, the clinical significance of this alteration remains unclear.

NM_022437.3(ABCG8):c.184G>A (p.Val62Ile)

Gene: ABCG8 (ATP binding cassette subfamily G member 8; plus strand). Cytogenetic location: 2p21.
Variant type: single nucleotide variant.
Coding change: c.184G>A on transcript NM_022437.3 (MANE Select); coding-DNA position 184, G replaced by A.
Protein change: p.Val62Ile; replaces valine 62 with isoleucine.
Molecular consequence: missense variant.
Genome position (GRCh38, 1-based): chr2:43,846,173, G>A. VCF-style: chr2-43846173-G-A. GRCh37 (hg19) VCF-style: chr2-44073312-G-A.
Other names: c.184G>A, p.Val62Ile (NM_001357321.2); short protein forms V62I.
Identifiers: ClinVar variation 3227782 (VCV003227782.1), dbSNP rs774152997, ClinGen allele CA1636937.
Genomic context (GRCh38, chr2:43,846,173, plus strand): 5'-ACCATTCAGCTCTCTAAGGAACCTTCTGATATCTCCCCACAGGTGGACCTGGCCTCTCAG[G>A]TCCCTTGGTTTGAGCAGCTGGCTCAGTTCAAGATGCCCTGGACATCTCCCAGCTGCCAGA-3'
Protein context (NP_071882.1, residues 52-72): LNYQVDLASQ[Val62Ile]PWFEQLAQFK